The following is an entry in ClinVar:

NM_024675.4(PALB2):c.9G>T (p.Glu3Asp)

Gene: PALB2 (partner and localizer of BRCA2; minus strand). Cytogenetic location: 16p12.2.
Variant type: single nucleotide variant.
Coding change: c.9G>T on transcript NM_024675.4 (MANE Select); coding-DNA position 9, G replaced by T.
Protein change: p.Glu3Asp; replaces glutamic acid 3 with aspartic acid.
Molecular consequence: missense variant.
Genome position (GRCh38, 1-based): chr16:23,641,149, C>A on the plus strand (G>T on the coding strand, the complement: PALB2 is on the minus strand). VCF-style: chr16-23641149-C-A. GRCh37 (hg19) VCF-style: chr16-23652470-C-A.
Other names: short protein forms E3D.
Identifiers: ClinVar variation 186265 (VCV000186265.24), dbSNP rs786202325, ClinGen allele CA194295.
Genomic context (GRCh38, chr16:23,641,149, plus strand): 5'-CCCTTCCCGCACCCCCGGCACCTTTTCCTTCTCCTCACAGCTGAGGGGCTTCCCGGGAGG[C>A]TCGTCCATCGGGCAGGCGACAGAACGAAAAGAGCAGCCGTCGCCGACCCCAGGCCTGCCG-3'
Protein context (NP_078951.2, residues 1-13): MD[Glu3Asp]PPGKPLSCEE

ClinVar aggregate classification (germline): Uncertain significance. Review status: criteria provided, multiple submitters, no conflicts (2 of 4 stars). 6 submissions from 6 submitters: Uncertain significance (6). Last evaluated 2025-10-27.

Conditions:
Hereditary cancer-predisposing syndrome. Also called: Neoplastic Syndromes, Hereditary; Tumor predisposition; Hereditary Cancer Syndrome; Hereditary neoplastic syndrome. Identifiers: Orphanet 140162, MedGen C0027672, MeSH D009386, MONDO:0015356.
Familial cancer of breast. Also called: BREAST CANCER, FAMILIAL; Hereditary breast cancer; hereditary breast carcinoma. Identifiers: Orphanet 227535, MedGen C0346153, MONDO:0016419, OMIM 114480. Disease mechanism: loss of function.

gnomAD v4.1: 1 of 1,613,180 alleles (0.000062%); highest among the groups gnomAD compares: Non-Finnish European, 0.000085%; no homozygotes.

Submissions (6):

Labcorp Genetics (formerly Invitae), Labcorp
Classification: Uncertain significance for Familial cancer of breast. Last evaluated: 2025-10-27. Review status: criteria provided, single submitter. Criteria: Invitae Variant Classification Sherloc (09022015). Collection method: clinical testing. Allele origin: germline.
Comment: This sequence change replaces glutamic acid, which is acidic and polar, with aspartic acid, which is acidic and polar, at codon 3 of the PALB2 protein (p.Glu3Asp). This variant is not present in population databases (gnomAD no frequency). This variant has not been reported in the literature in individuals affected with PALB2-related conditions. ClinVar contains an entry for this variant (Variation ID: 186265). An algorithm developed to predict the effect of missense changes on protein structure and function outputs the following: PolyPhen-2: "Benign". The aspartic acid amino acid residue is found in multiple mammalian species, which suggests that this missense change does not adversely affect protein function. In summary, the available evidence is currently insufficient to determine the role of this variant in disease. Therefore, it has been classified as a Variant of Uncertain Significance.

Ambry Genetics
Classification: Uncertain significance for Hereditary cancer-predisposing syndrome. Last evaluated: 2023-12-29. Review status: criteria provided, single submitter. Criteria: Ambry Variant Classification Scheme 2023. Collection method: clinical testing. Allele origin: germline.
Comment: The p.E3D variant (also known as c.9G>T), located in coding exon 1 of the PALB2 gene, results from a G to T substitution at nucleotide position 9. The glutamic acid at codon 3 is replaced by aspartic acid, an amino acid with highly similar properties. This amino acid position is well conserved in available vertebrate species, however aspartic acid is the reference amino acid in multiple species. In addition, this alteration is predicted to be tolerated by in silico analysis. Based on available evidence to date, the clinical significance of this variant remains unclear.

Color Diagnostics, LLC DBA Color Health
Classification: Uncertain significance for Hereditary cancer-predisposing syndrome. Last evaluated: 2023-12-05. Review status: criteria provided, single submitter. Criteria: ACMG Guidelines, 2015. Collection method: clinical testing. Allele origin: germline.
Comment: This missense variant replaces glutamic acid with aspartic acid at codon 3 of the PALB2 protein. Computational prediction suggests that this variant may not impact protein structure and function (internally defined REVEL score threshold <= 0.5, PMID: 27666373). To our knowledge, functional studies have not been reported for this variant. This variant has not been reported in individuals affected with PALB2-related disorders in the literature. This variant has not been identified in the general population by the Genome Aggregation Database (gnomAD). The available evidence is insufficient to determine the role of this variant in disease conclusively. Therefore, this variant is classified as a Variant of Uncertain Significance.

Baylor Genetics
Classification: Uncertain significance for Familial cancer of breast. Last evaluated: 2023-07-04. Review status: criteria provided, single submitter. Criteria: ACMG Guidelines, 2015. Collection method: clinical testing. Allele origin: unknown.

GeneDx
Classification: Uncertain significance. Last evaluated: 2020-07-06. Review status: criteria provided, single submitter. Criteria: GeneDx Variant Classification Process June 2021. Collection method: clinical testing. Allele origin: germline. Affected: yes.
Comment: Not observed in large population cohorts (Lek et al., 2016); In silico analysis supports that this missense variant does not alter protein structure/function; Has not been previously published as pathogenic or benign to our knowledge

Women's Health and Genetics/Laboratory Corporation of America, LabCorp
Classification: Uncertain significance. Last evaluated: 2019-07-05. Review status: criteria provided, single submitter. Criteria: LabCorp Variant Classification Summary - May 2015. Collection method: clinical testing. Allele origin: germline.
Comment: Variant summary: PALB2 c.9G>T (p.Glu3Asp) results in a conservative amino acid change in the encoded protein sequence. Five of five in-silico tools predict a benign effect of the variant on protein function. The variant was absent in 247100 control chromosomes. The available data on variant occurrences in the general population are insufficient to allow any conclusion about variant significance. To our knowledge, no occurrence of c.9G>T in individuals affected with Breast Cancer and no experimental evidence demonstrating its impact on protein function have been reported. Two clinical diagnostic laboratories have submitted clinical-significance assessments for this variant to ClinVar after 2014 without evidence for independent evaluation. All laboratories classified the variant as uncertain significance. Based on the evidence outlined above, the variant was classified as uncertain significance.